The following is an entry in ClinVar:

NM_012216.4(MID2):c.1756A>G (p.Ile586Val)

Genes: MID2 (midline 2; plus strand), LOC101928335 (uncharacterized LOC101928335; minus strand). Cytogenetic location: Xq22.3.
Variant type: single nucleotide variant.
Coding change: c.1756A>G on transcript NM_012216.4 (MANE Select); coding-DNA position 1756, A replaced by G.
Protein change: p.Ile586Val; replaces isoleucine 586 with valine.
Molecular consequence: missense variant.
Genome position (GRCh38, 1-based): chrX:107,926,252, A>G. VCF-style: chrX-107926252-A-G. GRCh37 (hg19) VCF-style: chrX-107169482-A-G.
Other names: c.1696A>G, p.Ile566Val (NM_001382751.1); c.1606A>G, p.Ile536Val (NM_001382752.1); c.1666A>G, p.Ile556Val (NM_052817.3); c.1756A>G (NM_012216.3); short protein forms I536V, I556V, I566V, I586V.
Identifiers: ClinVar variation 3063975 (VCV003063975.2), dbSNP rs765369851, ClinGen allele CA10486218.

ClinVar aggregate classification (germline): Uncertain significance. Review status: criteria provided, multiple submitters, no conflicts (2 of 4 stars). 2 submissions from 2 submitters: Uncertain significance (2). Last evaluated 2024-04-01.

Allele frequency attached by ClinVar (database versions not stated): gnomAD exomes 0.00002; ExAC 0.00003; TOPMed 0.00023; gnomAD 0.00026.
gnomAD v4.1: 50 of 1,208,055 alleles (0.0041%); highest among the groups gnomAD compares: African/African-American, 0.083%; no homozygotes.

Submissions (2):

Ambry Genetics
Classification: Uncertain significance. Last evaluated: 2024-04-01. Review status: criteria provided, single submitter. Criteria: Ambry Variant Classification Scheme 2023. Collection method: clinical testing. Allele origin: germline.

Women's Health and Genetics/Laboratory Corporation of America, LabCorp
Classification: Uncertain significance. Last evaluated: 2024-01-18. Review status: criteria provided, single submitter. Criteria: LabCorp Variant Classification Summary - May 2015. Collection method: clinical testing. Allele origin: germline.
Comment: Variant summary: MID2 c.1756A>G (p.Ile586Val) results in a conservative amino acid change located in the B30.2/SPRY domain (IPR001870) of the encoded protein sequence. Four of five in-silico tools predict a benign effect of the variant on protein function. The variant allele was found at a frequency of 4.1e-05 in 1208055 control chromosomes, including 17 hemizygotes (gnomAD v4). To our knowledge, no occurrence of c.1756A>G in individuals affected with Intellectual Disability, X-Linked 101 and no experimental evidence demonstrating its impact on protein function have been reported. No submitters have cited clinical-significance assessments for this variant to ClinVar. Based on the evidence outlined above, the variant was classified as VUS-possibly benign.